The following is an entry in ClinVar:

ClinVar aggregate classification (germline): Likely pathogenic (1 of 4 stars; one submission).

Conditions:
Retinitis pigmentosa 80 (RP80). Identifiers: MedGen C4540439, MONDO:0054708, OMIM 617781.

gnomAD v4.1: 1 of 1,611,488 alleles (0.000062%); highest among the groups gnomAD compares: Non-Finnish European, 0.000085%; no homozygotes.

Submission:

MVZ Medizinische Genetik Mainz
Classification: Likely pathogenic for Retinitis pigmentosa 80. Last evaluated: 2024-11-25. Review status: criteria provided, single submitter. Criteria: UK Practice Guidelines For Variant Classification V4 01 2020. Collection method: clinical testing. Allele origin: germline. Inheritance: Autosomal dominant inheritance. Affected: yes. Observed: 1 variant allele.
Comment: ACMG Criteria: PVS1,PM2_SUP

NM_014714.4(IFT140):c.2776A>T (p.Lys926Ter)

Genes: IFT140 (intraflagellar transport 140; minus strand), LOC126862260 (CDK7 strongly-dependent group 2 enhancer GRCh37_chr16:1574508-1575707; plus strand). Cytogenetic location: 16p13.3.
Variant type: single nucleotide variant.
Coding change: c.2776A>T on transcript NM_014714.4 (MANE Select); coding-DNA position 2776, A replaced by T.
Protein change: p.Lys926Ter; replaces lysine 926 with a stop codon.
Molecular consequence: nonsense.
Genome position (GRCh38, 1-based): chr16:1,525,319, T>A on the plus strand (A>T on the coding strand, the complement: IFT140 is on the minus strand). VCF-style: chr16-1525319-T-A. GRCh37 (hg19) VCF-style: chr16-1575320-T-A.
Other names: short protein forms K926*.
Identifiers: ClinVar variation 3392561 (VCV003392561.1).